The following is an entry in ClinVar:

ClinVar aggregate classification (germline): Likely benign. Review status: criteria provided, multiple submitters, no conflicts (2 of 4 stars). 2 submissions from 2 submitters: Likely benign (2). Last evaluated 2026-07-08.

Conditions:
Hereditary cancer-predisposing syndrome. Also called: Neoplastic Syndromes, Hereditary; Tumor predisposition; Hereditary Cancer Syndrome; Hereditary neoplastic syndrome. Identifiers: Orphanet 140162, MedGen C0027672, MeSH D009386, MONDO:0015356.
CDH1-related disorder. Also called: CDH1-related condition.

Submissions (2):

Ambry Genetics
Classification: Likely benign for Hereditary cancer-predisposing syndrome. Last evaluated: 2026-07-08. Review status: criteria provided, single submitter. Criteria: Ambry Variant Classification Scheme 2023. Collection method: clinical testing. Allele origin: germline.

PreventionGenetics, part of Exact Sciences
Classification: Likely benign for CDH1-related condition. Last evaluated: 2025-01-23. Review status: criteria provided, single submitter. Criteria: ACMG Guidelines, 2015. Collection method: clinical testing. Allele origin: germline.
Comment: This variant is classified as likely benign based on ACMG/AMP sequence variant interpretation guidelines (Richards et al. 2015 PMID: 25741868, with internal and published modifications).

NM_004360.5(CDH1):c.2226G>T (p.Leu742=)

Gene: CDH1 (cadherin 1; plus strand). Cytogenetic location: 16q22.1.
Variant type: single nucleotide variant.
Coding change: c.2226G>T on transcript NM_004360.5 (MANE Select); coding-DNA position 2226, G replaced by T.
Protein change: p.Leu742=; no amino-acid change (leucine 742 retained).
Molecular consequence: synonymous variant.
Genome position (GRCh38, 1-based): chr16:68,828,235, G>T. VCF-style: chr16-68828235-G-T. GRCh37 (hg19) VCF-style: chr16-68862138-G-T.
Other names: c.2043G>T, p.Leu681= (NM_001317184.2); c.678G>T, p.Leu226= (NM_001317185.2); c.261G>T, p.Leu87= (NM_001317186.2).
Identifiers: ClinVar variation 5000610 (VCV005000610.2).
Genomic context (GRCh38, chr16:68,828,235, plus strand): 5'-TCTGATTCTGCTGCTCTTGCTGTTTCTTCGGAGGAGAGCGGTGGTCAAAGAGCCCTTACT[G>T]CCCCCAGAGGATGACACCCGGGACAACGTTTATTACTATGATGAAGAAGGAGGCGGAGAA-3'
Protein context (NP_004351.1, residues 732-752): RRRAVVKEPL[Leu742=]PPEDDTRDNV